The following is an entry in ClinVar:

ClinVar aggregate classification (germline): Benign (1 of 4 stars; one submission).

Allele frequency attached by ClinVar (database versions not stated): 1000 Genomes Project 0.61382; 1000 Genomes Project 30x 0.62258; TOPMed 0.72121; gnomAD 0.72142 and 0.73246.
gnomAD v4.1: 109,430 of 151,586 alleles (72%); highest among the groups gnomAD compares: Middle Eastern, 85%; 40,149 homozygotes.

Submission:

GeneDx
Classification: Benign. Last evaluated: 2018-06-14. Review status: criteria provided, single submitter. Criteria: GeneDx Variant Classification (06012015). Collection method: clinical testing. Allele origin: germline. Affected: yes.
Comment: This variant is considered likely benign or benign based on one or more of the following criteria: it is a conservative change, it occurs at a poorly conserved position in the protein, it is predicted to be benign by multiple in silico algorithms, and/or has population frequency not consistent with disease.

NM_014000.3(VCL):c.1743+229C>T

Gene: VCL (vinculin; plus strand). Cytogenetic location: 10q22.2.
Variant type: single nucleotide variant.
Coding change: c.1743+229C>T on transcript NM_014000.3 (MANE Select); 229 bases into the intron after coding-DNA position 1743, C replaced by T.
Molecular consequence: intron variant.
Genome position (GRCh38, 1-based): chr10:74,096,084, C>T. VCF-style: chr10-74096084-C-T. GRCh37 (hg19) VCF-style: chr10-75855842-C-T.
Other names: c.1743+229C>T (NM_003373.4).
Identifiers: ClinVar variation 678031 (VCV000678031.1), dbSNP rs4746172, ClinGen allele CA15639162.